The following is an entry in ClinVar:

ClinVar aggregate classification (germline): Uncertain significance (1 of 4 stars; one submission).

Conditions:
Beck-Fahrner syndrome (BEFAHRS). Identifiers: Orphanet 684216, MedGen C5394097, MONDO:0032922, OMIM 618798.

Allele frequency attached by ClinVar (database versions not stated): ExAC 0.00001; TOPMed 0.00002; gnomAD exomes 0.00001 and 0.00002.
gnomAD v4.1: 15 of 1,613,956 alleles (0.00093%); highest among the groups gnomAD compares: East Asian, 0.011%; no homozygotes.

Submission:

Molecular Genetics, Royal Melbourne Hospital
Classification: Uncertain significance for Beck-Fahrner syndrome. Last evaluated: 2021-09-03. Review status: criteria provided, single submitter. Criteria: ACMG Guidelines, 2015. Collection method: clinical testing. Allele origin: germline.
Comment: This sequence change in TET3 is predicted to replace arginine with glutamine at codon 264 (p.(Arg264Gln)). The arginine residue is moderately conserved (100 vertebrates, UCSC), and is not located in an annotated functional domain. There is a small physicochemical difference between arginine and glutamine. The highest population minor allele frequency in gnomAD v2.1 is 0.01% (2/17,954 alleles) in the East Asian population, which is consistent with a recessive disorder. To our knowledge, this variant has not been reported in the literature in any individuals. Multiple lines of computational evidence have conflicting predictions for the missense substitution (3/5 algorithms predict benign). Based on the classification scheme RMH Modified ACMG Guidelines v1.4.0, this variant is classified as a VARIANT OF UNCERTAIN SIGNIFICANCE. Following criteria are met: PM2_Supporting.

NM_001287491.2(TET3):c.791G>A (p.Arg264Gln)

Gene: TET3 (tet methylcytosine dioxygenase 3; plus strand). Cytogenetic location: 2p13.1.
Variant type: single nucleotide variant.
Coding change: c.791G>A on transcript NM_001287491.2 (MANE Select); coding-DNA position 791, G replaced by A.
Protein change: p.Arg264Gln; replaces arginine 264 with glutamine.
Molecular consequence: missense variant.
Genome position (GRCh38, 1-based): chr2:74,046,708, G>A. VCF-style: chr2-74046708-G-A. GRCh37 (hg19) VCF-style: chr2-74273835-G-A.
Other names: c.512G>A, p.Arg171Gln (NM_001366022.1); short protein forms R171Q, R264Q.
Identifiers: ClinVar variation 1676220 (VCV001676220.2), dbSNP rs755654877, ClinGen allele CA1718483.